The following is an entry in ClinVar:

NM_006231.4(POLE):c.5804G>A (p.Cys1935Tyr)

Gene: POLE (DNA polymerase epsilon, catalytic subunit; minus strand). Cytogenetic location: 12q24.33.
Variant type: single nucleotide variant.
Coding change: c.5804G>A on transcript NM_006231.4 (MANE Select); coding-DNA position 5804, G replaced by A.
Protein change: p.Cys1935Tyr; replaces cysteine 1935 with tyrosine.
Molecular consequence: missense variant.
Genome position (GRCh38, 1-based): chr12:132,635,899, C>T on the plus strand (G>A on the coding strand, the complement: POLE is on the minus strand). VCF-style: chr12-132635899-C-T. GRCh37 (hg19) VCF-style: chr12-133212485-C-T.
Other names: short protein forms C1935Y.
Identifiers: ClinVar variation 221083 (VCV000221083.47), dbSNP rs5744991, ClinGen allele CA349622.

ClinVar aggregate classification (germline): Benign. Review status: criteria provided, multiple submitters, no conflicts (2 of 4 stars). 20 submissions from 20 submitters: Benign (13). 7 of the submissions do not count toward it. Last evaluated 2026-02-04.

Conditions:
Polymerase proofreading-related adenomatous polyposis. Also called: Polymerase proofreading associated polyposis; Polymerase proofreading–associated polyposis (PPAP). Identifiers: Orphanet 447877, MedGen C5202613, MONDO:0018653.
Hereditary cancer-predisposing syndrome. Also called: Neoplastic Syndromes, Hereditary; Hereditary Cancer Syndrome; Tumor predisposition; Hereditary neoplastic syndrome. Identifiers: Orphanet 140162, MedGen C0027672, MeSH D009386, MONDO:0015356.
Colorectal cancer, susceptibility to, 12 (CRCS12). Also called: COLORECTAL CANCER, SUSCEPTIBILITY TO, ON CHROMOSOME 12q24. Identifiers: Orphanet 220460, MedGen C3554460, MONDO:0014038, OMIM 615083.

Allele frequency attached by ClinVar (database versions not stated): gnomAD 0.00898 and 0.00843; TOPMed 0.01026; 1000 Genomes Project 0.01098; 1000 Genomes Project 30x 0.01124; gnomAD exomes 0.00095 and 0.00262; ExAC 0.00300; ESP Exome Variant Server 0.00846.
gnomAD v4.1: 2,764 of 1,612,298 alleles (0.17%); highest among the groups gnomAD compares: African/African-American, 2.6%; 30 homozygotes.

Submissions (20):

Labcorp Genetics (formerly Invitae), Labcorp
Classification: Benign. Last evaluated: 2026-02-04. Review status: criteria provided, single submitter. Criteria: Invitae Variant Classification Sherloc (09022015). Collection method: clinical testing. Allele origin: germline.

CeGaT Center for Human Genetics Tuebingen
Classification: Benign. Last evaluated: 2026-01-01. Review status: criteria provided, single submitter. Criteria: CeGaT Center For Human Genetics Tuebingen Variant Classification Criteria Version 2. Collection method: clinical testing. Allele origin: germline. Affected: yes. Observed: 1 variant allele.
Comment: POLE: BP4, BS1, BS2

Mayo Clinic Laboratories, Mayo Clinic
Classification: Benign. Last evaluated: 2025-09-11. Review status: criteria provided, single submitter. Criteria: ACMG Guidelines, 2015. Collection method: clinical testing. Allele origin: germline. Observed: 4 variant alleles.
Comment: BS1, BS2, BP4

Center for Genomic Medicine, Rigshospitalet, Copenhagen University Hospital
Classification: Benign. Last evaluated: 2025-03-04. Review status: criteria provided, single submitter. Criteria: ACMG Guidelines, 2015. Collection method: clinical testing. Allele origin: germline.

Institute for Biomarker Research, Medical Diagnostic Laboratories, L.L.C.
Classification: Benign for Hereditary cancer-predisposing syndrome. Last evaluated: 2025-01-15. Review status: criteria provided, single submitter. Criteria: ACMG Guidelines, 2015. Collection method: clinical testing. Allele origin: germline.
Comment: The missense variant NM_006231.4(POLE):c.5804G>A (p.Cys1935Tyr) has been reported to ClinVar as Benign with a status of (2 stars) criteria provided, multiple submitters, no conflicts (Variation ID 221083 as of 2025-01-02). The variant is observed in one or more well-documented healthy adults. The p.Cys1935Tyr variant is observed in 459/16,232 (2.8277%) alleles from individuals of gnomAD African background in gnomAD, indicating it is a common benign variant.The p.Cys1935Tyr variant is not predicted to disrupt the existing donor splice site 8bp upstream by any splice site algorithm. The p.Cys1935Tyr variant is not predicted to introduce a novel splice site by any splice site algorithm. For these reasons, this variant has been classified as Benign.

ARUP Laboratories, Molecular Genetics and Genomics, ARUP Laboratories
Classification: Benign. Last evaluated: 2023-10-20. Review status: criteria provided, single submitter. Criteria: ARUP Molecular Germline Variant Investigation Process 2024. Collection method: clinical testing. Allele origin: germline.

KCCC/NGS Laboratory, Kuwait Cancer Control Center
Classification: Benign for Colorectal cancer, susceptibility to, 12. Last evaluated: 2023-07-07. Review status: criteria provided, single submitter. Criteria: ACMG Guidelines, 2015. Collection method: clinical testing. Allele origin: germline. Affected: yes.

GeneDx
Classification: Benign. Last evaluated: 2017-11-28. Review status: criteria provided, single submitter. Criteria: GeneDx Variant Classification (06012015). Collection method: clinical testing. Allele origin: germline. Affected: yes.
Comment: This variant is considered likely benign or benign based on one or more of the following criteria: it is a conservative change, it occurs at a poorly conserved position in the protein, it is predicted to be benign by multiple in silico algorithms, and/or has population frequency not consistent with disease.

Women's Health and Genetics/Laboratory Corporation of America, LabCorp
Classification: Benign. Last evaluated: 2017-09-15. Review status: criteria provided, single submitter. Criteria: LabCorp Variant Classification Summary - May 2015. Collection method: clinical testing. Allele origin: germline.
Comment: Variant summary: The POLE c.5804G>A (p.Cys1935Tyr) variant causes a missense change involving the alteration of a non-conserved nucleotide. 3/4 in silico tools predict a benign outcome for this variant (SNPsandGO not captured due to low reliability index). The variant was found in the control population dataset of ExAC in 358/119342 control chromosomes at a frequency of 0.0029998, which is approximately 211 times the estimated maximal expected allele frequency of a pathogenic POLE variant (0.0000142), suggesting this variant is likely a benign polymorphism. In addition, multiple clinical diagnostic laboratories/reputable databases classified this variant as benign. The variant of interest has not, to our knowledge, been reported in affected individuals via publications nor evaluated for functional impact by in vivo/vitro studies. Taken together, this variant is classified as Benign.

PreventionGenetics, part of Exact Sciences
Classification: Benign. Last evaluated: 2017-06-20. Review status: criteria provided, single submitter. Criteria: ACMG Guidelines, 2015. Collection method: clinical testing. Allele origin: germline.

Quest Diagnostics Nichols Institute San Juan Capistrano
Classification: Benign. Last evaluated: 2016-08-12. Review status: criteria provided, single submitter. Criteria: Quest Diagnostics criteria. Collection method: clinical testing. Allele origin: unknown.

Ambry Genetics
Classification: Benign for Hereditary cancer-predisposing syndrome. Last evaluated: 2015-06-02. Review status: criteria provided, single submitter. Criteria: Ambry Variant Classification Scheme 2023. Collection method: clinical testing. Allele origin: germline.

Breakthrough Genomics
Classification: Benign. Review status: criteria provided, single submitter. Criteria: ACMG Guidelines, 2015. Collection method: not provided. Allele origin: germline. Inheritance: Autosomal recessive inheritance. Affected: yes.

True Health Diagnostics
Classification: Likely benign for Hereditary cancer-predisposing syndrome. Last evaluated: 2018-01-03. Review status: no assertion criteria provided. Collection method: clinical testing. Allele origin: germline. Not counted in ClinVar's aggregate classification.

Counsyl
Classification: Benign for Colorectal cancer, susceptibility to, 12. Last evaluated: 2016-06-07. Review status: no assertion criteria provided. Collection method: clinical testing. Allele origin: unknown. Not counted in ClinVar's aggregate classification.

Clinical Genetics, Academic Medical Center
Classification: Likely benign. Review status: no assertion criteria provided. Collection method: clinical testing. Allele origin: germline. Affected: yes. Study: VKGL Data-share Consensus. Not counted in ClinVar's aggregate classification.

Department of Pathology and Laboratory Medicine, Sinai Health System
Classification: Benign for Polymerase proofreading-related adenomatous polyposis. Review status: no assertion criteria provided. Collection method: clinical testing. Allele origin: unknown. Affected: yes. Study: The Canadian Open Genetics Repository (COGR). Not counted in ClinVar's aggregate classification.
Comment: The POLE p.Cys1935Tyr variant was not identified in the literature nor was it identified in the databases. The variant was also identified in dbSNP (ID: rs5744991) as â€šÃ„ÃºWith Benign alleleâ€šÃ„Ã¹ and ClinVar (classified benign by Invitae, Counsyl, GeneDx, Ambry Genetics, Quest Diagnostics, Prevention Genetics and True Health Diagnostics). The variant was identified in control databases in 885 of 275994 chromosomes (10 homozygous) at a frequency of 0.003, increasing the likelihood this could be a low frequency benign variant (Genome Aggregation Database Feb 27, 2017). The variant was observed in the following populations: African in 679 of 24006 chromosomes (10 homozygous, freq: 0.03), Other in 24 of 6428 chromosomes (freq: 0.004), Latino in 74 of 34130 chromosomes (freq: 0.002), European in 29 of 126200 chromosomes (freq: 0.0002), and Ashkenazi Jewish in 79 of 10094 chromosomes (freq: 0.008), while not observed in the East Asian, Finnish, or South Asian populations. The p.Cys1935 residue is not conserved in mammals and computational analyses (PolyPhen-2, SIFT, AlignGVGD, BLOSUM, MutationTaster) do not suggest a high likelihood the Tyr variant impacts the protein; however, this information is not predictive enough to rule out pathogenicity. The variant occurs outside of the splicing consensus sequence and in silico or computational prediction software programs (SpliceSiteFinder, MaxEntScan, NNSPLICE, GeneSplicer) do not predict a difference in splicing. In summary, based on the above information, this variant meets our laboratory's criteria to be classified as benign.

Genome Diagnostics Laboratory, Amsterdam University Medical Center
Classification: Benign. Review status: no assertion criteria provided. Collection method: clinical testing. Allele origin: germline. Affected: yes. Study: VKGL Data-share Consensus. Not counted in ClinVar's aggregate classification.

Genome Diagnostics Laboratory, University Medical Center Utrecht
Classification: Likely benign. Review status: no assertion criteria provided. Collection method: clinical testing. Allele origin: germline. Affected: yes. Study: VKGL Data-share Consensus. Not counted in ClinVar's aggregate classification.

Joint Genome Diagnostic Labs from Nijmegen and Maastricht, Radboudumc and MUMC+
Classification: Benign. Review status: no assertion criteria provided. Collection method: clinical testing. Allele origin: germline. Affected: yes. Study: VKGL Data-share Consensus. Not counted in ClinVar's aggregate classification.